The following is an entry in ClinVar:

ClinVar aggregate classification (germline): Uncertain significance (1 of 4 stars; one submission).

Conditions:
Angelman syndrome (AS). Also called: HAPPY PUPPET SYNDROME. Identifiers: Orphanet 72, MedGen C0162635, MONDO:0007113, OMIM 105830. Disease mechanism: loss of function. Inheritance: AS is caused by disruption of maternally imprinted UBE3A located within the 15q11.2-q13 Angelman syndrome/Prader-Willi syndrome (AS/PWS) region., imprinting disorder.

Submission:

Labcorp Genetics (formerly Invitae), Labcorp
Classification: Uncertain significance for Angelman syndrome. Last evaluated: 2024-04-29. Review status: criteria provided, single submitter. Criteria: Invitae Variant Classification Sherloc (09022015). Collection method: clinical testing. Allele origin: germline.
Comment: This sequence change replaces serine, which is neutral and polar, with alanine, which is neutral and non-polar, at codon 773 of the UBE3A protein (p.Ser773Ala). This variant is not present in population databases (gnomAD no frequency). This variant has not been reported in the literature in individuals affected with UBE3A-related conditions. Algorithms developed to predict the effect of missense changes on protein structure and function output the following: SIFT: "Not Available"; PolyPhen-2: "Benign"; Align-GVGD: "Not Available". The alanine amino acid residue is found in multiple mammalian species, which suggests that this missense change does not adversely affect protein function. In summary, the available evidence is currently insufficient to determine the role of this variant in disease. Therefore, it has been classified as a Variant of Uncertain Significance.

NM_130839.5(UBE3A):c.2377T>G (p.Ser793Ala)

Genes: SNHG14 (small nucleolar RNA host gene 14; plus strand), UBE3A (ubiquitin protein ligase E3A; minus strand). Cytogenetic location: 15q11.2.
Variant type: single nucleotide variant.
Coding change: c.2377T>G on transcript NM_130839.5 (MANE Select); coding-DNA position 2377, T replaced by G.
Protein change: p.Ser793Ala; replaces serine 793 with alanine.
Molecular consequence: missense variant. On other transcripts: non-coding transcript variant (1).
Genome position (GRCh38, 1-based): chr15:25,340,206, A>C on the plus strand (T>G on the coding strand, the complement: UBE3A is on the minus strand). VCF-style: chr15-25340206-A-C. GRCh37 (hg19) VCF-style: chr15-25585353-A-C.
Other names: c.2317T>G, p.Ser773Ala (NM_001354506.2, NM_001354507.2, NM_001354508.2 and 14 more transcripts); c.2161T>G, p.Ser721Ala (NM_001354548.2, NM_001354547.2); c.2152T>G, p.Ser718Ala (NM_001354549.2); c.1126T>G, p.Ser376Ala (NM_001354550.2); c.1066T>G, p.Ser356Ala (NM_001354551.2); c.2377T>G, p.Ser793Ala (NM_001354538.2, NM_001354505.1); c.2221T>G, p.Ser741Ala (NM_001354545.2); c.2200T>G, p.Ser734Ala (NM_001354546.2); and 1 more; short protein forms S721A, S741A, S796A, S734A, S793A, S376A, S718A, S356A.
Identifiers: ClinVar variation 3702425 (VCV003702425.2).